The following is an entry in ClinVar:

ClinVar aggregate classification (germline): Uncertain significance (1 of 4 stars; one submission).

Conditions:
Familial adenomatous polyposis 1 (FAP1). Also called: FAMILIAL ADENOMATOUS POLYPOSIS 1, ATTENUATED; POLYPOSIS, ADENOMATOUS INTESTINAL. Identifiers: MedGen C2713442, MONDO:0021056, OMIM 175100. Disease mechanism: loss of function.

Submission:

Labcorp Genetics (formerly Invitae), Labcorp
Classification: Uncertain significance for Familial adenomatous polyposis 1. Last evaluated: 2022-07-14. Review status: criteria provided, single submitter. Criteria: Invitae Variant Classification Sherloc (09022015). Collection method: clinical testing. Allele origin: germline.
Comment: This sequence change replaces glutamine, which is neutral and polar, with proline, which is neutral and non-polar, at codon 2628 of the APC protein (p.Gln2628Pro). This variant is not present in population databases (gnomAD no frequency). This variant has not been reported in the literature in individuals affected with APC-related conditions. Algorithms developed to predict the effect of missense changes on protein structure and function output the following: SIFT: "Tolerated"; PolyPhen-2: "Benign"; Align-GVGD: "Class C0". The proline amino acid residue is found in multiple mammalian species, which suggests that this missense change does not adversely affect protein function. In summary, the available evidence is currently insufficient to determine the role of this variant in disease. Therefore, it has been classified as a Variant of Uncertain Significance.

NM_000038.6(APC):c.7883A>C (p.Gln2628Pro)

Gene: APC (APC regulator of Wnt signaling pathway; plus strand). Cytogenetic location: 5q22.2.
Variant type: single nucleotide variant.
Coding change: c.7883A>C on transcript NM_000038.6 (MANE Select); coding-DNA position 7883, A replaced by C.
Protein change: p.Gln2628Pro; replaces glutamine 2628 with proline.
Molecular consequence: missense variant.
Genome position (GRCh38, 1-based): chr5:112,843,477, A>C. VCF-style: chr5-112843477-A-C. GRCh37 (hg19) VCF-style: chr5-112179174-A-C.
Other names: c.7883A>C, p.Gln2628Pro (NM_001127510.3, NM_001354895.2, NM_001407450.1); c.7829A>C, p.Gln2610Pro (NM_001127511.3); c.7937A>C, p.Gln2646Pro (NM_001354896.2, NM_001407447.1, NM_001407448.1 and 1 more transcripts); c.7913A>C, p.Gln2638Pro (NM_001354897.2); c.7808A>C, p.Gln2603Pro (NM_001354898.2); c.7799A>C, p.Gln2600Pro (NM_001354899.2); c.7760A>C, p.Gln2587Pro (NM_001354900.2); c.7706A>C, p.Gln2569Pro (NM_001354901.2, NM_001407453.1); and 11 more; short protein forms Q2244P, Q2345P, Q2468P, Q2499P, Q2502P, Q2527P, Q2537P, Q2545P.
Identifiers: ClinVar variation 1720889 (VCV001720889.6), dbSNP rs876659311, ClinGen allele CA16038458.